The following is an entry in ClinVar:

ClinVar aggregate classification (germline): Uncertain significance. Review status: criteria provided, single submitter (1 of 4 stars). 4 submissions from 4 submitters: Uncertain significance (1). 3 of the submissions do not count toward it. Last evaluated 2018-01-01.

Conditions:
Charcot-Marie-Tooth disease dominant intermediate B (CMTDIB). Also called: CHARCOT-MARIE-TOOTH NEUROPATHY, DOMINANT INTERMEDIATE B; Charcot-Marie-Tooth disease dominant intermediate 1; CMT DI1; Charcot-Marie-Tooth disease dominant intermediate I. Identifiers: Orphanet 100044, Orphanet 228179, MedGen C1847902, MONDO:0011674, OMIM 606482.
Charcot-Marie-Tooth disease. Also called: Charcot-Marie-Tooth Neuropathy; Charcot-Marie-Tooth Hereditary Neuropathy. Identifiers: Orphanet 166, MedGen C0007959, MONDO:0015626.

Submissions (4):

Labcorp Genetics (formerly Invitae), Labcorp
Classification: Uncertain significance for Charcot-Marie-Tooth disease dominant intermediate B. Last evaluated: 2018-01-01. Review status: criteria provided, single submitter. Criteria: Invitae Variant Classification Sherloc (09022015). Collection method: clinical testing. Allele origin: germline.
Comment: This sequence change removes the last 8 nucleotides of exon 8 and the first nucleotide of intron 9, affecting a donor splice site in intron 9 of the DNM2 gene. This variant is not present in population databases (ExAC no frequency). This variant has been reported in an individual affected with Charcot-Marie-Tooth disease (PMID: 15731758). In summary, the available evidence is currently insufficient to determine the role of this variant in disease. Therefore, it has been classified as a Variant of Uncertain Significance. Experimental studies have shown that this change results in two abnormally spliced mRNA transcripts from the DNM2 gene, resulting in a protein with a premature truncation, p.Asp555Valfs*35 (also known as K550fs), or an in-frame deletion, p.Asp555_Glu557del (PMID: 15731758). p.Asp555_Glu557del is also known as 555delta3 or D551_E553del in the literature. Lysates from affected individuals with this variant did not show a reduced level of protein, suggesting that nonsense-mediated decay was not activated (PMID: 15731758). However, experiments show that protein containing p.Asp555_Glu557del is defective in microtubule organization, formation and endocytosis (PMID: 15731758, 21762456, 27328317).

Inherited Neuropathy Consortium Ii, University Of Miami
Classification: Uncertain significance for Charcot-Marie-Tooth disease dominant intermediate B. Last evaluated: 2016-01-06. Review status: no assertion criteria provided. Collection method: literature only. Allele origin: germline. Affected: yes. Not counted in ClinVar's aggregate classification.

OMIM
Classification: Pathogenic for CHARCOT-MARIE-TOOTH DISEASE, DOMINANT INTERMEDIATE B. Last evaluated: 2005-03-01. Review status: no assertion criteria provided. Collection method: literature only. Allele origin: germline. Not counted in ClinVar's aggregate classification.

Inherited Neuropathy Consortium
Classification: Uncertain significance for Charcot-Marie-Tooth disease. Review status: no assertion criteria provided. Collection method: literature only. Allele origin: germline. Affected: yes. Not counted in ClinVar's aggregate classification.

Literature cited by the submitters: PubMed 15731758 (cited by 4 submitters); PubMed 21762456 (cited by Labcorp Genetics (formerly Invitae), Labcorp); PubMed 27328317 (cited by Labcorp Genetics (formerly Invitae), Labcorp).

NM_001005361.3(DNM2):c.1664_1671+1del

Gene: DNM2 (dynamin 2; plus strand). Cytogenetic location: 19p13.2.
Variant type: Deletion.
Coding change: c.1664_1671+1del on transcript NM_001005361.3 (MANE Select); coding-DNA position 1664 through the canonical splice donor site of the intron after coding-DNA position 1671, 9 bases deleted (ATGAGGAGG; older notation c.1664_1671+1delATGAGGAGG).
Molecular consequence: splice donor variant.
Genome position (GRCh38, 1-based): chr19:10,812,370-10,812,378, ATGAGGAGG deleted; deleting any 9 consecutive bases within chr19:10,812,367-10,812,378 gives the same sequence; the c. name uses the placement nearest the transcript's 3' end. VCF-style (leftmost placement, unchanged base first): chr19-10812366-AAGGATGAGG-A. GRCh37 (hg19) VCF-style: chr19-10923042-AAGGATGAGG-A.
Other names: c.1664_1671+1delATGAGGAGG (NM_001005360.2); c.1664_1671+1del (NM_001005360.3, NM_001190716.2); c.1652_1659+1del (NM_004945.4, NM_001005362.3).
Identifiers: ClinVar variation 568603 (VCV000568603.9), dbSNP rs1568314339, ClinGen allele CA891843566.